The following is an entry in ClinVar:

ClinVar aggregate classification (germline): Likely benign (1 of 4 stars; one submission).

Conditions:
PKD1L1-related disorder. Also called: PKD1L1-related condition.

gnomAD v4.1: 6 of 1,606,992 alleles (0.00037%); highest among the groups gnomAD compares: Admixed American, 0.01%; no homozygotes.

Submission:

PreventionGenetics, part of Exact Sciences
Classification: Likely benign for PKD1L1-related condition. Last evaluated: 2026-01-30. Review status: criteria provided, single submitter. Criteria: ACMG Guidelines, 2015. Collection method: clinical testing. Allele origin: germline.
Comment: This variant is classified as likely benign based on ACMG/AMP sequence variant interpretation guidelines (Richards et al. 2015 PMID: 25741868, with internal and published modifications).

NM_138295.5(PKD1L1):c.5655G>A (p.Leu1885=)

Gene: PKD1L1 (polycystin 1 like 1, transient receptor potential channel interacting; minus strand). Cytogenetic location: 7p12.3.
Variant type: single nucleotide variant.
Coding change: c.5655G>A on transcript NM_138295.5 (MANE Select); coding-DNA position 5655, G replaced by A.
Protein change: p.Leu1885=; no amino-acid change (leucine 1885 retained).
Molecular consequence: synonymous variant.
Genome position (GRCh38, 1-based): chr7:47,839,560, C>T on the plus strand (G>A on the coding strand, the complement: PKD1L1 is on the minus strand). VCF-style: chr7-47839560-C-T. GRCh37 (hg19) VCF-style: chr7-47879158-C-T.
Identifiers: ClinVar variation 4979115 (VCV004979115.1).